The following is an entry in ClinVar:

NM_152703.5(SAMD9L):c.392A>G (p.Gln131Arg)

Gene: SAMD9L (sterile alpha motif domain containing 9 like; minus strand). Cytogenetic location: 7q21.2.
Variant type: single nucleotide variant.
Coding change: c.392A>G on transcript NM_152703.5 (MANE Select); coding-DNA position 392, A replaced by G.
Protein change: p.Gln131Arg; replaces glutamine 131 with arginine.
Molecular consequence: missense variant.
Genome position (GRCh38, 1-based): chr7:93,135,580, T>C on the plus strand (A>G on the coding strand, the complement: SAMD9L is on the minus strand). VCF-style: chr7-93135580-T-C. GRCh37 (hg19) VCF-style: chr7-92764893-T-C.
Other names: c.392A>G (NM_152703.2); c.392A>G, p.Gln131Arg (NM_001303496.3, NM_001303497.3, NM_001303498.3 and 5 more transcripts); short protein forms Q131R.
Identifiers: ClinVar variation 3638526 (VCV003638526.3).

ClinVar aggregate classification (germline): Uncertain significance. Review status: criteria provided, multiple submitters, no conflicts (2 of 4 stars). 2 submissions from 2 submitters: Uncertain significance (2). Last evaluated 2025-02-28.

Conditions:
Inborn genetic diseases. Identifiers: MedGen C0950123, MeSH D030342.

gnomAD v4.1: 1 of 1,613,980 alleles (0.000062%); highest among the groups gnomAD compares: South Asian, 0.0011%; no homozygotes.

Submissions (2):

Ambry Genetics
Classification: Uncertain significance for Inborn genetic diseases. Last evaluated: 2025-02-28. Review status: criteria provided, single submitter. Criteria: Ambry Variant Classification Scheme 2023. Collection method: clinical testing. Allele origin: germline.
Comment: The p.Q131R variant (also known as c.392A>G), located in coding exon 1 of the SAMD9L gene, results from an A to G substitution at nucleotide position 392. The glutamine at codon 131 is replaced by arginine, an amino acid with highly similar properties. This amino acid position is conserved. In addition, this alteration is predicted to be tolerated by in silico analysis. Based on the available evidence, the clinical significance of this variant remains unclear.

Labcorp Genetics (formerly Invitae), Labcorp
Classification: Uncertain significance. Last evaluated: 2024-02-02. Review status: criteria provided, single submitter. Criteria: Invitae Variant Classification Sherloc (09022015). Collection method: clinical testing. Allele origin: germline.
Comment: This sequence change replaces glutamine, which is neutral and polar, with arginine, which is basic and polar, at codon 131 of the SAMD9L protein (p.Gln131Arg). This variant is present in population databases (rs763991136, gnomAD 0.003%). This variant has not been reported in the literature in individuals affected with SAMD9L-related conditions. An algorithm developed to predict the effect of missense changes on protein structure and function (PolyPhen-2) suggests that this variant is likely to be tolerated. In summary, the available evidence is currently insufficient to determine the role of this variant in disease. Therefore, it has been classified as a Variant of Uncertain Significance.